The following is an entry in ClinVar:

ClinVar aggregate classification (germline): Uncertain significance (1 of 4 stars; one submission).

Conditions:
Hereditary cancer-predisposing syndrome. Also called: Tumor predisposition; Hereditary Cancer Syndrome; Hereditary neoplastic syndrome; Neoplastic Syndromes, Hereditary. Identifiers: Orphanet 140162, MedGen C0027672, MeSH D009386, MONDO:0015356.

gnomAD v4.1: 1 of 1,610,652 alleles (0.000062%); highest among the groups gnomAD compares: South Asian, 0.0011%; no homozygotes.

Submission:

Ambry Genetics
Classification: Uncertain significance for Hereditary cancer-predisposing syndrome. Last evaluated: 2024-04-18. Review status: criteria provided, single submitter. Criteria: Ambry Variant Classification Scheme 2023. Collection method: clinical testing. Allele origin: germline.
Comment: The p.L286P variant (also known as c.857T>C), located in coding exon 7 of the EPCAM gene, results from a T to C substitution at nucleotide position 857. The leucine at codon 286 is replaced by proline, an amino acid with similar properties. This amino acid position is conserved. In addition, this alteration is predicted to be deleterious by in silico analysis. Based on the available evidence, the clinical significance of this variant remains unclear.

NM_002354.3(EPCAM):c.857T>C (p.Leu286Pro)

Gene: EPCAM (epithelial cell adhesion molecule; plus strand). Cytogenetic location: 2p21.
Variant type: single nucleotide variant.
Coding change: c.857T>C on transcript NM_002354.3 (MANE Select); coding-DNA position 857, T replaced by C.
Protein change: p.Leu286Pro; replaces leucine 286 with proline.
Molecular consequence: missense variant.
Genome position (GRCh38, 1-based): chr2:47,379,968, T>C. VCF-style: chr2-47379968-T-C. GRCh37 (hg19) VCF-style: chr2-47607107-T-C.
Other names: short protein forms L286P.
Identifiers: ClinVar variation 3275837 (VCV003275837.1).
Genomic context (GRCh38, chr2:47,379,968, plus strand): 5'-CTGGTGTTATTGCTGTTATTGTGGTTGTGGTGATAGCAGTTGTTGCTGGAATTGTTGTGC[T>C]GGTGAGTACAGAACAAGTAAAATTTCATTTAAGGGTATATTTTTTCAAGAAAAAGTAATA-3'
Protein context (NP_002345.2, residues 276-296): VIAVVAGIVV[Leu286Pro]VISRKKRMAK